The following is an entry in ClinVar:

ClinVar aggregate classification (germline): Uncertain significance (1 of 4 stars; one submission).

Submission:

Labcorp Genetics (formerly Invitae), Labcorp
Classification: Uncertain significance. Last evaluated: 2022-08-31. Review status: criteria provided, single submitter. Criteria: Invitae Variant Classification Sherloc (09022015). Collection method: clinical testing. Allele origin: germline.
Comment: In summary, the available evidence is currently insufficient to determine the role of this variant in disease. Therefore, it has been classified as a Variant of Uncertain Significance. Algorithms developed to predict the effect of missense changes on protein structure and function are either unavailable or do not agree on the potential impact of this missense change (SIFT: "Deleterious"; PolyPhen-2: "Benign"; Align-GVGD: "Class C0"). This variant has not been reported in the literature in individuals affected with TNFRSF11A-related conditions. This variant is not present in population databases (gnomAD no frequency). This sequence change replaces isoleucine, which is neutral and non-polar, with methionine, which is neutral and non-polar, at codon 250 of the TNFRSF11A protein (p.Ile250Met).

NM_003839.4(TNFRSF11A):c.750C>G (p.Ile250Met)

Gene: TNFRSF11A (TNF receptor superfamily member 11a; plus strand). Cytogenetic location: 18q21.33.
Variant type: single nucleotide variant.
Coding change: c.750C>G on transcript NM_003839.4 (MANE Select); coding-DNA position 750, C replaced by G.
Protein change: p.Ile250Met; replaces isoleucine 250 with methionine.
Molecular consequence: missense variant. On other transcripts: intron variant (2).
Genome position (GRCh38, 1-based): chr18:62,366,727, C>G. VCF-style: chr18-62366727-C-G. GRCh37 (hg19) VCF-style: chr18-60033960-C-G.
Other names: c.750C>G, p.Ile250Met (NM_001270949.2); c.708C>G, p.Ile236Met (NM_001278268.2); c.730+4934C>G (NM_001270950.2); c.616+6678C>G (NM_001270951.2); short protein forms I250M, I236M.
Identifiers: ClinVar variation 2051741 (VCV002051741.4), dbSNP rs557914191, ClinGen allele CA301702475.